The following is an entry in ClinVar:

ClinVar aggregate classification (germline): Uncertain significance (1 of 4 stars; one submission).

Conditions:
EGFR-related lung cancer (EGFR). Identifiers: MedGen CN130014.

Submission:

Labcorp Genetics (formerly Invitae), Labcorp
Classification: Uncertain significance for EGFR-related lung cancer. Last evaluated: 2020-12-20. Review status: criteria provided, single submitter. Criteria: Invitae Variant Classification Sherloc (09022015). Collection method: clinical testing. Allele origin: germline.
Comment: In summary, the available evidence is currently insufficient to determine the role of this variant in disease. Therefore, it has been classified as a Variant of Uncertain Significance. Algorithms developed to predict the effect of missense changes on protein structure and function (SIFT, PolyPhen-2, Align-GVGD) all suggest that this variant is likely to be tolerated, but these predictions have not been confirmed by published functional studies and their clinical significance is uncertain. This variant has not been reported in the literature in individuals with EGFR-related conditions. This variant is not present in population databases (ExAC no frequency). This sequence change replaces phenylalanine with valine at codon 44 of the EGFR protein (p.Phe44Val). The phenylalanine residue is weakly conserved and there is a small physicochemical difference between phenylalanine and valine.

NM_005228.5(EGFR):c.130T>G (p.Phe44Val)

Gene: EGFR (epidermal growth factor receptor; plus strand). Cytogenetic location: 7p11.2.
Variant type: single nucleotide variant.
Coding change: c.130T>G on transcript NM_005228.5 (MANE Select); coding-DNA position 130, T replaced by G.
Protein change: p.Phe44Val; replaces phenylalanine 44 with valine.
Molecular consequence: missense variant. On other transcripts: 5 prime UTR variant (1), intron variant (1).
Genome position (GRCh38, 1-based): chr7:55,142,327, T>G. VCF-style: chr7-55142327-T-G. GRCh37 (hg19) VCF-style: chr7-55210020-T-G.
Other names: c.130T>G, p.Phe44Val (NM_001346897.2, NM_001346898.2, NM_001346899.2 and 3 more transcripts); c.-30T>G (NM_001346900.2); c.89-13503T>G (NM_001346941.2); short protein forms F44V.
Identifiers: ClinVar variation 1495199 (VCV001495199.8), dbSNP rs2128926193, ClinGen allele CA367574300.